The following is an entry in ClinVar:

ClinVar aggregate classification (germline): Uncertain significance (1 of 4 stars; one submission).

Allele frequency attached by ClinVar (database versions not stated): gnomAD exomes below 0.00001; gnomAD 0.00001; TOPMed 0.00001.

Submission:

Labcorp Genetics (formerly Invitae), Labcorp
Classification: Uncertain significance. Last evaluated: 2021-12-27. Review status: criteria provided, single submitter. Criteria: Invitae Variant Classification Sherloc (09022015). Collection method: clinical testing. Allele origin: germline.
Comment: Algorithms developed to predict the effect of missense changes on protein structure and function are either unavailable or do not agree on the potential impact of this missense change (SIFT: "Deleterious"; PolyPhen-2: "Benign"; Align-GVGD: "Class C0"). In summary, the available evidence is currently insufficient to determine the role of this variant in disease. Therefore, it has been classified as a Variant of Uncertain Significance. This variant has not been reported in the literature in individuals affected with ITM2B-related conditions. The frequency data for this variant in the population databases is considered unreliable, as metrics indicate poor data quality at this position in the gnomAD database. This sequence change replaces proline, which is neutral and non-polar, with leucine, which is neutral and non-polar, at codon 20 of the ITM2B protein (p.Pro20Leu).

NM_021999.5(ITM2B):c.59C>T (p.Pro20Leu)

Genes: ITM2B (integral membrane protein 2B; plus strand), LOC130009751 (ATAC-STARR-seq lymphoblastoid silent region 5331; plus strand). Cytogenetic location: 13q14.2.
Variant type: single nucleotide variant.
Coding change: c.59C>T on transcript NM_021999.5 (MANE Select); coding-DNA position 59, C replaced by T.
Protein change: p.Pro20Leu; replaces proline 20 with leucine.
Molecular consequence: missense variant.
Genome position (GRCh38, 1-based): chr13:48,233,419, C>T. VCF-style: chr13-48233419-C-T. GRCh37 (hg19) VCF-style: chr13-48807555-C-T.
Other names: short protein forms P20L.
Identifiers: ClinVar variation 1931659 (VCV001931659.5), dbSNP rs1243783395, ClinGen allele CA388249994.
Genomic context (GRCh38, chr13:48,233,419, plus strand): 5'-CCATGGTGAAGGTGACGTTCAACTCCGCTCTGGCCCAGAAGGAGGCCAAGAAGGACGAGC[C>T]CAAGAGCGGCGAGGAGGCGCTCATCATCCCCCCCGACGCCGTCGCGGTGGACTGCAAGGT-3'
Protein context (NP_068839.1, residues 10-30): LAQKEAKKDE[Pro20Leu]KSGEEALIIP